The following is an entry in ClinVar:

NM_001797.4(CDH11):c.1852G>A (p.Gly618Ser)

Gene: CDH11 (cadherin 11; minus strand). Cytogenetic location: 16q21.
Variant type: single nucleotide variant.
Coding change: c.1852G>A on transcript NM_001797.4 (MANE Select); coding-DNA position 1852, G replaced by A.
Protein change: p.Gly618Ser; replaces glycine 618 with serine.
Molecular consequence: missense variant.
Genome position (GRCh38, 1-based): chr16:64,950,809, C>T on the plus strand (G>A on the coding strand, the complement: CDH11 is on the minus strand). VCF-style: chr16-64950809-C-T. GRCh37 (hg19) VCF-style: chr16-64984712-C-T.
Other names: c.1852G>A, p.Gly618Ser (NM_001308392.2); c.1474G>A, p.Gly492Ser (NM_001330576.2); c.1852G>A (NM_001797.2); short protein forms G618S, G492S.
Identifiers: ClinVar variation 2175044 (VCV002175044.2), dbSNP rs560953034, ClinGen allele CA8091990.

ClinVar aggregate classification (germline): Uncertain significance. Review status: criteria provided, multiple submitters, no conflicts (2 of 4 stars). 2 submissions from 2 submitters: Uncertain significance (2). Last evaluated 2025-11-13.

Conditions:
Inborn genetic diseases. Identifiers: MedGen C0950123, MeSH D030342.

Allele frequency attached by ClinVar (database versions not stated): gnomAD 0.00009; TOPMed 0.00014; 1000 Genomes Project 30x 0.00047; gnomAD exomes below 0.00001; ExAC 0.00002; 1000 Genomes Project 0.00040.
gnomAD v4.1: 19 of 1,614,184 alleles (0.0012%); highest among the groups gnomAD compares: African/African-American, 0.024%; no homozygotes.

Submissions (2):

Ambry Genetics
Classification: Uncertain significance for Inborn genetic diseases. Last evaluated: 2025-11-13. Review status: criteria provided, single submitter. Criteria: Ambry Variant Classification Scheme 2023. Collection method: clinical testing. Allele origin: germline.

Labcorp Genetics (formerly Invitae), Labcorp
Classification: Uncertain significance. Last evaluated: 2022-07-13. Review status: criteria provided, single submitter. Criteria: Invitae Variant Classification Sherloc (09022015). Collection method: clinical testing. Allele origin: germline.
Comment: This sequence change replaces glycine, which is neutral and non-polar, with serine, which is neutral and polar, at codon 618 of the CDH11 protein (p.Gly618Ser). This variant is present in population databases (rs560953034, gnomAD 0.02%). This variant has not been reported in the literature in individuals affected with CDH11-related conditions. Algorithms developed to predict the effect of missense changes on protein structure and function (SIFT, PolyPhen-2, Align-GVGD) all suggest that this variant is likely to be disruptive. In summary, the available evidence is currently insufficient to determine the role of this variant in disease. Therefore, it has been classified as a Variant of Uncertain Significance.